The following is an entry in ClinVar:

NM_000543.5(SMPD1):c.559C>T (p.Pro187Ser)

Gene: SMPD1 (sphingomyelin phosphodiesterase 1; plus strand). Cytogenetic location: 11p15.4.
Variant type: single nucleotide variant.
Coding change: c.559C>T on transcript NM_000543.5 (MANE Select); coding-DNA position 559, C replaced by T.
Protein change: p.Pro187Ser; replaces proline 187 with serine.
Molecular consequence: missense variant. On other transcripts: 5 prime UTR variant (1), non-coding transcript variant (1).
Genome position (GRCh38, 1-based): chr11:6,391,624, C>T. VCF-style: chr11-6391624-C-T. GRCh37 (hg19) VCF-style: chr11-6412854-C-T.
Other names: p.Pro187Ser; c.556C>T, p.Pro186Ser (NM_001007593.3); c.559C>T, p.Pro187Ser (NM_001318087.2, NM_001365135.2); c.-403C>T (NM_001318088.2); short protein forms P187S, P186S.
Identifiers: ClinVar variation 195087 (VCV000195087.26), dbSNP rs74053349, ClinGen allele CA201552.

ClinVar aggregate classification (germline): Benign. Review status: criteria provided, multiple submitters, no conflicts (2 of 4 stars). 9 submissions from 9 submitters: Benign (8). 1 of the submissions does not count toward it. Last evaluated 2026-02-04.

Conditions:
Niemann-Pick disease, type A. Also called: SPHINGOMYELIN LIPIDOSIS; SPHINGOMYELINASE DEFICIENCY; Infantile Neurovisceral ASMD (Niemann-Pick Disease Type A; NPD-A). Identifiers: Orphanet 77292, MedGen C0268242, MONDO:0009756, OMIM 257200. Disease mechanism: loss of function.
Niemann-Pick disease, type B. Also called: Chronic Visceral ASMD (Niemann-Pick Disease Type B; NPD-B). Identifiers: Orphanet 77293, MedGen C0268243, MONDO:0011871, OMIM 607616. Disease mechanism: loss of function.

Allele frequency attached by ClinVar (database versions not stated): gnomAD 0.01580; ESP Exome Variant Server 0.01600; 1000 Genomes Project 0.01637; 1000 Genomes Project 30x 0.01718.

Submissions (9):

Labcorp Genetics (formerly Invitae), Labcorp
Classification: Benign for Niemann-Pick disease, type B; Niemann-Pick disease, type A. Last evaluated: 2026-02-04. Review status: criteria provided, single submitter. Criteria: Invitae Variant Classification Sherloc (09022015). Collection method: clinical testing. Allele origin: germline.

Mayo Clinic Laboratories, Mayo Clinic
Classification: Benign. Last evaluated: 2018-09-17. Review status: criteria provided, single submitter. Criteria: ACMG Guidelines, 2015. Collection method: clinical testing. Allele origin: germline. Observed: 9 variant alleles.

GeneDx
Classification: Benign. Last evaluated: 2018-08-31. Review status: criteria provided, single submitter. Criteria: GeneDx Variant Classification Process June 2021. Collection method: clinical testing. Allele origin: germline. Affected: yes.

Illumina Laboratory Services, Illumina
Classification: Benign for Niemann-Pick disease, type A. Last evaluated: 2018-01-13. Review status: criteria provided, single submitter. Criteria: ICSL Variant Classification Criteria 13 December 2019. Collection method: clinical testing. Allele origin: germline.
Comment: This variant was observed in the ICSL laboratory as part of a predisposition screen in an ostensibly healthy population. It had not been previously curated by ICSL or reported in the Human Gene Mutation Database (HGMD: prior to June 1st, 2018), and was therefore a candidate for classification through an automated scoring system. Utilizing variant allele frequency, disease prevalence and penetrance estimates, and inheritance mode, an automated score was calculated to assess if this variant is too frequent to cause the disease. Based on the score and internal cut-off values, a variant classified as benign is not then subjected to further curation. The score for this variant resulted in a classification of benign for this disease.

Women's Health and Genetics/Laboratory Corporation of America, LabCorp
Classification: Benign. Last evaluated: 2017-11-07. Review status: criteria provided, single submitter. Criteria: LabCorp Variant Classification Summary - May 2015. Collection method: clinical testing. Allele origin: germline.
Comment: Variant summary: The SMPD1 c.559C>T (p.Pro187Ser) variant involves the alteration of a non-conserved nucleotide and 2/3 in silico tools predict a benign outcome for this variant (SNPsandGO and Mutation Taster not captured due to low reliability index and p-value, respectively). This variant was found in 968/157662 (16 homozygotes) control chromosomes (gnomAD), predominantly observed in the African subpopulation at a frequency of 0.057086 (804/14084, 16 homozygotes)). This frequency is about 26 times the estimated maximal expected allele frequency of a pathogenic SMPD1 variant (0.0022361), suggesting this is likely a benign polymorphism found primarily in the populations of African origin. The variant of interest has not, to our knowledge, been reported in affected individuals via publications nor was it evaluated for functional impact by in vivo/vitro studies. However, multiple clinical diagnostic laboratories/reputable databases classified this variant as "benign". Taken together, this variant is classified as Benign.

Center for Pediatric Genomic Medicine, Children's Mercy Hospital and Clinics
Classification: Benign. Last evaluated: 2015-07-08. Review status: criteria provided, single submitter. Criteria: ACMG Guidelines, 2015. Collection method: clinical testing. Allele origin: germline.

Eurofins Ntd Llc (ga)
Classification: Benign. Last evaluated: 2015-01-27. Review status: criteria provided, single submitter. Criteria: EGL Classification Definitions 2015. Collection method: clinical testing. Allele origin: germline. Observed: 8 variant alleles, 8 heterozygotes.

Breakthrough Genomics
Classification: Benign. Review status: criteria provided, single submitter. Criteria: ACMG Guidelines, 2015. Collection method: not provided. Allele origin: germline. Inheritance: Autosomal recessive inheritance. Affected: yes.

Natera, Inc.
Classification: Benign for Niemann-Pick Disease, Types A/B. Last evaluated: 2017-06-14. Review status: no assertion criteria provided. Collection method: clinical testing. Allele origin: germline. Not counted in ClinVar's aggregate classification.